The following is an entry in ClinVar:

NM_153365.3(TAPT1):c.1613C>T (p.Thr538Met)

Gene: TAPT1 (transmembrane anterior posterior transformation 1; minus strand). Cytogenetic location: 4p15.32.
Variant type: single nucleotide variant.
Coding change: c.1613C>T on transcript NM_153365.3 (MANE Select); coding-DNA position 1613, C replaced by T.
Protein change: p.Thr538Met; replaces threonine 538 with methionine.
Molecular consequence: missense variant.
Genome position (GRCh38, 1-based): chr4:16,163,399, G>A on the plus strand (C>T on the coding strand, the complement: TAPT1 is on the minus strand). VCF-style: chr4-16163399-G-A. GRCh37 (hg19) VCF-style: chr4-16165022-G-A.
Other names: c.1613C>T (NM_153365.2); short protein forms T538M.
Identifiers: ClinVar variation 1441031 (VCV001441031.7), dbSNP rs374613998, ClinGen allele CA2867240.

ClinVar aggregate classification (germline): Uncertain significance. Review status: criteria provided, multiple submitters, no conflicts (2 of 4 stars). 2 submissions from 2 submitters: Uncertain significance (2). Last evaluated 2023-06-29.

Conditions:
Inborn genetic diseases. Identifiers: MedGen C0950123, MeSH D030342.

Allele frequency attached by ClinVar (database versions not stated): ExAC 0.00005; gnomAD 0.00005 and 0.00006; TOPMed 0.00005; ESP Exome Variant Server 0.00008.
gnomAD v4.1: 31 of 1,613,762 alleles (0.0019%); highest among the groups gnomAD compares: African/African-American, 0.011%; no homozygotes.

Submissions (2):

Labcorp Genetics (formerly Invitae), Labcorp
Classification: Uncertain significance. Last evaluated: 2023-06-29. Review status: criteria provided, single submitter. Criteria: Invitae Variant Classification Sherloc (09022015). Collection method: clinical testing. Allele origin: germline.
Comment: In summary, the available evidence is currently insufficient to determine the role of this variant in disease. Therefore, it has been classified as a Variant of Uncertain Significance. Advanced modeling of protein sequence and biophysical properties (such as structural, functional, and spatial information, amino acid conservation, physicochemical variation, residue mobility, and thermodynamic stability) performed at Invitae indicates that this missense variant is not expected to disrupt TAPT1 protein function. ClinVar contains an entry for this variant (Variation ID: 1441031). This variant has not been reported in the literature in individuals affected with TAPT1-related conditions. This variant is present in population databases (rs374613998, gnomAD 0.02%). This sequence change replaces threonine, which is neutral and polar, with methionine, which is neutral and non-polar, at codon 538 of the TAPT1 protein (p.Thr538Met).

Ambry Genetics
Classification: Uncertain significance for Inborn genetic diseases. Last evaluated: 2021-07-06. Review status: criteria provided, single submitter. Criteria: Ambry Variant Classification Scheme 2023. Collection method: clinical testing. Allele origin: germline.